The following is an entry in ClinVar:

NM_000245.4(MET):c.1489A>G (p.Asn497Asp)

Gene: MET (MET proto-oncogene, receptor tyrosine kinase; plus strand). Cytogenetic location: 7q31.2.
Variant type: single nucleotide variant.
Coding change: c.1489A>G on transcript NM_000245.4 (MANE Select); coding-DNA position 1489, A replaced by G.
Protein change: p.Asn497Asp; replaces asparagine 497 with aspartic acid.
Molecular consequence: missense variant.
Genome position (GRCh38, 1-based): chr7:116,740,046, A>G. VCF-style: chr7-116740046-A-G. GRCh37 (hg19) VCF-style: chr7-116380100-A-G.
Other names: c.1489A>G, p.Asn497Asp (NM_001127500.3, NM_001324401.3); c.199A>G, p.Asn67Asp (NM_001324402.2); short protein forms N497D, N67D.
Identifiers: ClinVar variation 454189 (VCV000454189.17), dbSNP rs766209435, ClinGen allele CA4448170.

ClinVar aggregate classification (germline): Conflicting classifications of pathogenicity. Review status: criteria provided, conflicting classifications (1 of 4 stars). 4 submissions from 4 submitters: Uncertain significance (3); Likely benign (1). Last evaluated 2026-08-12.

Conditions:
Papillary renal cell carcinoma type 1 (RCCP1). Also called: Renal adenocarcinoma; Renal cell carcinoma 1; Renal cell carcinoma, somatic; RENAL CELL CARCINOMA, PAPILLARY, 1, SOMATIC. Identifiers: Orphanet 47044, MedGen C1336839, OMIM 605074, HP:0011797.
Renal cell carcinoma. Identifiers: Orphanet 217071, MedGen C0007134, MeSH D002292, MONDO:0005086, HP:0005584.
Hereditary cancer-predisposing syndrome. Also called: Neoplastic Syndromes, Hereditary; Hereditary neoplastic syndrome; Hereditary Cancer Syndrome; Tumor predisposition. Identifiers: Orphanet 140162, MedGen C0027672, MeSH D009386, MONDO:0015356.

Allele frequency attached by ClinVar (database versions not stated): gnomAD exomes below 0.00001; ExAC 0.00001; TOPMed 0.00001.
gnomAD v4.1: 3 of 1,614,110 alleles (0.00019%); highest among the groups gnomAD compares: Admixed American, 0.0017%; no homozygotes.

Submissions (4):

Ambry Genetics
Classification: Likely benign for Hereditary cancer-predisposing syndrome. Last evaluated: 2026-08-12. Review status: criteria provided, single submitter. Criteria: Ambry Variant Classification Scheme 2023. Collection method: clinical testing. Allele origin: germline.

Labcorp Genetics (formerly Invitae), Labcorp
Classification: Uncertain significance for Renal cell carcinoma. Last evaluated: 2025-01-06. Review status: criteria provided, single submitter. Criteria: Invitae Variant Classification Sherloc (09022015). Collection method: clinical testing. Allele origin: germline.
Comment: This sequence change replaces asparagine, which is neutral and polar, with aspartic acid, which is acidic and polar, at codon 497 of the MET protein (p.Asn497Asp). This variant is present in population databases (rs766209435, gnomAD 0.003%). This variant has not been reported in the literature in individuals affected with MET-related conditions. ClinVar contains an entry for this variant (Variation ID: 454189). An algorithm developed to predict the effect of missense changes on protein structure and function outputs the following: PolyPhen-2: "Benign". The aspartic acid amino acid residue is found in multiple mammalian species, which suggests that this missense change does not adversely affect protein function. In summary, the available evidence is currently insufficient to determine the role of this variant in disease. Therefore, it has been classified as a Variant of Uncertain Significance.

GeneDx
Classification: Uncertain significance. Last evaluated: 2022-02-03. Review status: criteria provided, single submitter. Criteria: GeneDx Variant Classification Process June 2021. Collection method: clinical testing. Allele origin: germline. Affected: yes.
Comment: Not observed at significant frequency in large population cohorts (gnomAD); In silico analysis supports that this missense variant does not alter protein structure/function; Has not been previously published as pathogenic or benign to our knowledge

Illumina Laboratory Services, Illumina
Classification: Uncertain significance for Papillary renal cell carcinoma type 1. Last evaluated: 2018-01-13. Review status: criteria provided, single submitter. Criteria: ICSL Variant Classification Criteria 13 December 2019. Collection method: clinical testing. Allele origin: germline.